The following is an entry in ClinVar:

ClinVar aggregate classification (germline): Uncertain significance (1 of 4 stars; one submission).

Submission:

Labcorp Genetics (formerly Invitae), Labcorp
Classification: Uncertain significance. Last evaluated: 2024-08-12. Review status: criteria provided, single submitter. Criteria: Invitae Variant Classification Sherloc (09022015). Collection method: clinical testing. Allele origin: germline.
Comment: This sequence change replaces histidine, which is basic and polar, with tyrosine, which is neutral and polar, at codon 80 of the POLR1A protein (p.His80Tyr). This variant is not present in population databases (gnomAD no frequency). This variant has not been reported in the literature in individuals affected with POLR1A-related conditions. Advanced modeling of protein sequence and biophysical properties (such as structural, functional, and spatial information, amino acid conservation, physicochemical variation, residue mobility, and thermodynamic stability) performed at Invitae indicates that this missense variant is expected to disrupt POLR1A protein function with a positive predictive value of 80%. In summary, the available evidence is currently insufficient to determine the role of this variant in disease. Therefore, it has been classified as a Variant of Uncertain Significance.

NM_015425.6(POLR1A):c.238C>T (p.His80Tyr)

Gene: POLR1A (RNA polymerase I subunit A; minus strand). Cytogenetic location: 2p11.2.
Variant type: single nucleotide variant.
Coding change: c.238C>T on transcript NM_015425.6 (MANE Select); coding-DNA position 238, C replaced by T.
Protein change: p.His80Tyr; replaces histidine 80 with tyrosine.
Molecular consequence: missense variant.
Genome position (GRCh38, 1-based): chr2:86,100,012, G>A on the plus strand (C>T on the coding strand, the complement: POLR1A is on the minus strand). VCF-style: chr2-86100012-G-A. GRCh37 (hg19) VCF-style: chr2-86327135-G-A.
Other names: short protein forms H80Y.
Identifiers: ClinVar variation 3662006 (VCV003662006.2).